The following is an entry in ClinVar:

NM_000243.3(MEFV):c.1341G>C (p.Lys447Asn)

Gene: MEFV (MEFV innate immunity regulator, pyrin; minus strand). Cytogenetic location: 16p13.3.
Variant type: single nucleotide variant.
Coding change: c.1341G>C on transcript NM_000243.3 (MANE Select); coding-DNA position 1341, G replaced by C.
Protein change: p.Lys447Asn; replaces lysine 447 with asparagine.
Molecular consequence: missense variant.
Genome position (GRCh38, 1-based): chr16:3,248,924, C>G on the plus strand (G>C on the coding strand, the complement: MEFV is on the minus strand). VCF-style: chr16-3248924-C-G. GRCh37 (hg19) VCF-style: chr16-3298924-C-G.
Other names: p.Lys447Asn; c.708G>C, p.Lys236Asn (NM_001198536.2); short protein forms K447N, K236N.
Identifiers: ClinVar variation 279849 (VCV000279849.57), dbSNP rs756322372, ClinGen allele CA7860178.
Genomic context (GRCh38, chr16:3,248,924, plus strand): 5'-CTTCCTCCCAGGGACGGATGGGCCATCAGCCACCTCTGACCTTACCAGAAAGCTCACTGC[C>G]TTCTCCTCCCCATAGGATCGCTGCTCCTCCCCTGATTTTCTCAGCTTCTTCAGATGCTCC-3'
Protein context (NP_000234.1, residues 437-457): GEEQRSYGEE[Lys447Asn]AVSFLKQTEA

ClinVar aggregate classification (germline): Conflicting classifications of pathogenicity. Review status: criteria provided, conflicting classifications (1 of 4 stars). 12 submissions from 10 submitters: Uncertain significance (8); Benign (2); Likely benign (1). 1 of the submissions does not count toward it. Last evaluated 2025-07-01.

Conditions:
Acute febrile neutrophilic dermatosis (AFND). Also called: Gomm Button disease; Sweet Syndrome. Identifiers: Orphanet 3243, MedGen C0085077, MONDO:0011959, OMIM 608068.
Familial Mediterranean fever (FMF). Also called: POLYSEROSITIS, FAMILIAL PAROXYSMAL; POLYSEROSITIS, RECURRENT; Periodic peritonitis; Benign paroxysmal peritonitis. Identifiers: Orphanet 342, MedGen C0031069, MONDO:0018088, OMIM 249100. Disease mechanism: gain of function.
Familial Mediterranean fever, autosomal dominant. Also called: FMF, AUTOSOMAL DOMINANT; Dominant Familial Mediterranean Fever. Identifiers: Orphanet 342, MedGen C1851347, MONDO:0007601, OMIM 134610.

Allele frequency attached by ClinVar (database versions not stated): ExAC 0.00002; TOPMed 0.00007; gnomAD exomes 0.00009; gnomAD 0.00011.
gnomAD v4.1: 150 of 1,614,036 alleles (0.0093%); highest among the groups gnomAD compares: Non-Finnish European, 0.012%; no homozygotes.

Submissions (12):

Women's Health and Genetics/Laboratory Corporation of America, LabCorp
Classification: Uncertain significance. Last evaluated: 2025-07-01. Review status: criteria provided, single submitter. Criteria: LabCorp Variant Classification Summary - May 2015. Collection method: clinical testing. Allele origin: germline.
Comment: Variant summary: MEFV c.1341G>C (p.Lys447Asn) results in a non-conservative amino acid change in the encoded protein sequence. Algorithms developed to predict the effect of missense changes on protein structure and function are either unavailable or do not agree on the potential impact of this missense change. The variant allele was found at a frequency of 5.6e-05 in 251490 control chromosomes (gnomAD). This frequency is not significantly higher than estimated for a pathogenic variant in MEFV causing Familial Mediterranean Fever (5.6e-05 vs 0.022), allowing no conclusion about variant significance. To our knowledge, no occurrence of c.1341G>C in individuals affected with Familial Mediterranean Fever and no experimental evidence demonstrating its impact on protein function have been reported. The following publication has been ascertained in the context of this evaluation (PMID: 28421071). ClinVar contains an entry for this variant (Variation ID: 279849). Based on the evidence outlined above, the variant was classified as uncertain significance.

Mayo Clinic Laboratories, Mayo Clinic
Classification: Uncertain significance. Last evaluated: 2025-06-24. Review status: criteria provided, single submitter. Criteria: ACMG Guidelines, 2015. Collection method: clinical testing. Allele origin: germline. Observed: 2 variant alleles.
Comment: BP4_moderate

Blueprint Genetics
Classification: Uncertain significance. Last evaluated: 2024-10-16. Review status: criteria provided, single submitter. Criteria: ACMG Guidelines, 2015. Collection method: clinical testing. Allele origin: germline.

Fulgent Genetics
Classification: Uncertain significance for Familial Mediterranean fever, autosomal dominant; Familial Mediterranean fever; Acute febrile neutrophilic dermatosis. Last evaluated: 2024-05-16. Review status: criteria provided, single submitter. Criteria: ACMG Guidelines, 2015. Collection method: clinical testing. Allele origin: germline.

Genome-Nilou Lab
Classification: Likely benign for Familial Mediterranean fever. Last evaluated: 2023-02-08. Review status: criteria provided, single submitter. Criteria: ACMG Guidelines, 2015. Collection method: clinical testing. Allele origin: germline.

Genome-Nilou Lab
Classification: Benign for Familial Mediterranean fever, autosomal dominant. Last evaluated: 2023-02-08. Review status: criteria provided, single submitter. Criteria: ACMG Guidelines, 2015. Collection method: clinical testing. Allele origin: germline.

Genome-Nilou Lab
Classification: Benign for Acute febrile neutrophilic dermatosis. Last evaluated: 2023-02-08. Review status: criteria provided, single submitter. Criteria: ACMG Guidelines, 2015. Collection method: clinical testing. Allele origin: germline.

GeneDx
Classification: Uncertain significance. Last evaluated: 2022-12-15. Review status: criteria provided, single submitter. Criteria: GeneDx Variant Classification Process June 2021. Collection method: clinical testing. Allele origin: germline. Affected: yes.
Comment: In silico analysis supports that this missense variant has a deleterious effect on protein structure/function; Has not been previously published as pathogenic or benign to our knowledge; This variant is associated with the following publications: (PMID: 28421071, 30019023)

Labcorp Genetics (formerly Invitae), Labcorp
Classification: Uncertain significance for Familial Mediterranean fever. Last evaluated: 2022-07-27. Review status: criteria provided, single submitter. Criteria: Invitae Variant Classification Sherloc (09022015). Collection method: clinical testing. Allele origin: germline.
Comment: This sequence change replaces lysine, which is basic and polar, with asparagine, which is neutral and polar, at codon 447 of the MEFV protein (p.Lys447Asn). This variant is present in population databases (rs756322372, gnomAD 0.01%). This variant has not been reported in the literature in individuals affected with MEFV-related conditions. ClinVar contains an entry for this variant (Variation ID: 279849). Algorithms developed to predict the effect of missense changes on protein structure and function output the following: SIFT: "Deleterious"; PolyPhen-2: "Benign"; Align-GVGD: "Class C0". The asparagine amino acid residue is found in multiple mammalian species, which suggests that this missense change does not adversely affect protein function. In summary, the available evidence is currently insufficient to determine the role of this variant in disease. Therefore, it has been classified as a Variant of Uncertain Significance.

CeGaT Center for Human Genetics Tuebingen
Classification: Uncertain significance. Last evaluated: 2021-05-01. Review status: criteria provided, single submitter. Criteria: CeGaT Center For Human Genetics Tuebingen Variant Classification Criteria Version 2. Collection method: clinical testing. Allele origin: germline. Affected: yes. Observed: 3 variant alleles.

Illumina Laboratory Services, Illumina
Classification: Uncertain significance for Familial Mediterranean fever. Last evaluated: 2017-05-24. Review status: criteria provided, single submitter. Criteria: ICSL Variant Classification Criteria 13 December 2019. Collection method: clinical testing. Allele origin: germline.
Comment: This variant was observed as part of a predisposition screen in an ostensibly healthy population. A literature search was performed for the gene, cDNA change, and amino acid change (where applicable). Publications were found based on this search. However, the evidence from the literature, in combination with allele frequency data from public databases where available, was not sufficient to rule this variant in or out of causing disease. Therefore, this variant is classified as a variant of unknown significance.

Natera, Inc.
Classification: Uncertain significance for Familial Mediterranean fever. Last evaluated: 2019-10-28. Review status: no assertion criteria provided. Collection method: clinical testing. Allele origin: germline. Not counted in ClinVar's aggregate classification.

Literature cited by the submitters: PubMed 28421071 (cited by Women's Health and Genetics/Laboratory Corporation of America, LabCorp and Illumina Laboratory Services, Illumina).